The following is an entry in ClinVar:

NM_172362.3(KCNH1):c.530A>G (p.Asn177Ser)

Gene: KCNH1 (potassium voltage-gated channel subfamily H member 1; minus strand). Cytogenetic location: 1q32.2.
Variant type: single nucleotide variant.
Coding change: c.530A>G on transcript NM_172362.3 (MANE Select); coding-DNA position 530, A replaced by G.
Protein change: p.Asn177Ser; replaces asparagine 177 with serine.
Molecular consequence: missense variant.
Genome position (GRCh38, 1-based): chr1:211,082,808, T>C on the plus strand (A>G on the coding strand, the complement: KCNH1 is on the minus strand). VCF-style: chr1-211082808-T-C. GRCh37 (hg19) VCF-style: chr1-211256150-T-C.
Other names: c.530A>G, p.Asn177Ser (NM_002238.4); short protein forms N177S.
Identifiers: ClinVar variation 2711835 (VCV002711835.4), dbSNP rs2526782472, ClinGen allele CA344874986.

ClinVar aggregate classification (germline): Uncertain significance. Review status: criteria provided, multiple submitters, no conflicts (2 of 4 stars). 2 submissions from 2 submitters: Uncertain significance (2). Last evaluated 2024-10-30.

Submissions (2):

Labcorp Genetics (formerly Invitae), Labcorp
Classification: Uncertain significance. Last evaluated: 2024-10-30. Review status: criteria provided, single submitter. Criteria: Invitae Variant Classification Sherloc (09022015). Collection method: clinical testing. Allele origin: germline.
Comment: This sequence change replaces asparagine, which is neutral and polar, with serine, which is neutral and polar, at codon 177 of the KCNH1 protein (p.Asn177Ser). This variant is not present in population databases (gnomAD no frequency). This variant has not been reported in the literature in individuals affected with KCNH1-related conditions. ClinVar contains an entry for this variant (Variation ID: 2711835). Invitae Evidence Modeling of protein sequence and biophysical properties (such as structural, functional, and spatial information, amino acid conservation, physicochemical variation, residue mobility, and thermodynamic stability) has been performed for this missense variant. However, the output from this modeling did not meet the statistical confidence thresholds required to predict the impact of this variant on KCNH1 protein function. In summary, the available evidence is currently insufficient to determine the role of this variant in disease. Therefore, it has been classified as a Variant of Uncertain Significance.

Revvity Omics, Revvity
Classification: Uncertain significance. Last evaluated: 2024-10-08. Review status: criteria provided, single submitter. Criteria: ACMG Guidelines, 2015. Collection method: clinical testing. Allele origin: germline.